The following is an entry in ClinVar:

NM_002890.3(RASA1):c.1115G>C (p.Cys372Ser)

Genes: CCNH (cyclin H; minus strand), RASA1 (RAS p21 protein activator 1; plus strand). Cytogenetic location: 5q14.3.
Variant type: single nucleotide variant.
Coding change: c.1115G>C on transcript NM_002890.3 (MANE Select); coding-DNA position 1115, G replaced by C.
Protein change: p.Cys372Ser; replaces cysteine 372 with serine.
Molecular consequence: missense variant. On other transcripts: intron variant (1).
Genome position (GRCh38, 1-based): chr5:87,349,226, G>C. VCF-style: chr5-87349226-G-C. GRCh37 (hg19) VCF-style: chr5-86645043-G-C.
Other names: c.584G>C, p.Cys195Ser (NM_022650.3); c.934-36431C>G (NM_001364075.2); short protein forms C372S, C195S.
Identifiers: ClinVar variation 935237 (VCV000935237.10), dbSNP rs1179465272, ClinGen allele CA360363559.

ClinVar aggregate classification (germline): Uncertain significance (1 of 4 stars; one submission).

Conditions:
Capillary malformation-arteriovenous malformation syndrome. Also called: Capillary malformation-arteriovenous malformation. Identifiers: Orphanet 137667, MedGen C1842180, MONDO:0012016.

Allele frequency attached by ClinVar (database versions not stated): gnomAD exomes 0.00001 and below 0.00001; TOPMed below 0.00001.
gnomAD v4.1: 2 of 1,611,762 alleles (0.00012%); highest among the groups gnomAD compares: Admixed American, 0.0017%; no homozygotes.

Submission:

Labcorp Genetics (formerly Invitae), Labcorp
Classification: Uncertain significance for Capillary malformation-arteriovenous malformation syndrome. Last evaluated: 2024-01-25. Review status: criteria provided, single submitter. Criteria: Invitae Variant Classification Sherloc (09022015). Collection method: clinical testing. Allele origin: germline.
Comment: This sequence change replaces cysteine, which is neutral and slightly polar, with serine, which is neutral and polar, at codon 372 of the RASA1 protein (p.Cys372Ser). This variant is present in population databases (no rsID available, gnomAD 0.003%). This variant has not been reported in the literature in individuals affected with RASA1-related conditions. ClinVar contains an entry for this variant (Variation ID: 935237). An algorithm developed to predict the effect of missense changes on protein structure and function (PolyPhen-2) suggests that this variant is likely to be tolerated. In summary, the available evidence is currently insufficient to determine the role of this variant in disease. Therefore, it has been classified as a Variant of Uncertain Significance.